The following is an entry in ClinVar:

ClinVar aggregate classification (germline): Conflicting classifications of pathogenicity. Review status: criteria provided, conflicting classifications (1 of 4 stars). 3 submissions from 3 submitters: Uncertain significance (2); Likely benign (1). Last evaluated 2025-06-10.

Conditions:
Hereditary cancer-predisposing syndrome. Also called: Hereditary neoplastic syndrome; Tumor predisposition; Neoplastic Syndromes, Hereditary; Hereditary Cancer Syndrome. Identifiers: Orphanet 140162, MedGen C0027672, MeSH D009386, MONDO:0015356.
Hereditary breast ovarian cancer syndrome. Also called: Hereditary breast and ovarian cancer syndrome; Breast and ovarian cancer; Hereditary breast and ovarian cancer; Hereditary breast and/or ovarian cancer syndrome; Hereditary breast and ovarian cancer syndrome (HBOC); BRCA1- and BRCA2-Associated Hereditary Breast and Ovarian Cancer. Identifiers: Orphanet 145, MedGen C0677776, MeSH D061325, MONDO:0003582. Disease mechanism: loss of function.

Submissions (3):

Ambry Genetics
Classification: Uncertain significance for Hereditary cancer-predisposing syndrome. Last evaluated: 2025-06-10. Review status: criteria provided, single submitter. Criteria: Ambry Variant Classification Scheme 2023. Collection method: clinical testing. Allele origin: germline.

Color Diagnostics, LLC DBA Color Health
Classification: Likely benign for Hereditary cancer-predisposing syndrome. Last evaluated: 2025-06-04. Review status: criteria provided, single submitter. Criteria: ACMG Guidelines, 2015. Collection method: clinical testing. Allele origin: germline.

Labcorp Genetics (formerly Invitae), Labcorp
Classification: Uncertain significance for Hereditary breast ovarian cancer syndrome. Last evaluated: 2025-05-17. Review status: criteria provided, single submitter. Criteria: Invitae Variant Classification Sherloc (09022015). Collection method: clinical testing. Allele origin: germline.
Comment: This sequence change replaces glutamine, which is neutral and polar, with glutamic acid, which is acidic and polar, at codon 2384 of the BRCA2 protein (p.Gln2384Glu). This variant is present in population databases (no rsID available, gnomAD 0.003%). This variant has not been reported in the literature in individuals affected with BRCA2-related conditions. ClinVar contains an entry for this variant (Variation ID: 571292). Invitae Evidence Modeling of protein sequence and biophysical properties (such as structural, functional, and spatial information, amino acid conservation, physicochemical variation, residue mobility, and thermodynamic stability) indicates that this missense variant is not expected to disrupt BRCA2 protein function with a negative predictive value of 95%. In summary, the available evidence is currently insufficient to determine the role of this variant in disease. Therefore, it has been classified as a Variant of Uncertain Significance.

NM_000059.4(BRCA2):c.7150C>G (p.Gln2384Glu)

Gene: BRCA2 (BRCA2 DNA repair associated; plus strand). Cytogenetic location: 13q13.1.
Variant type: single nucleotide variant.
Coding change: c.7150C>G on transcript NM_000059.4 (MANE Select); coding-DNA position 7150, C replaced by G.
Protein change: p.Gln2384Glu; replaces glutamine 2384 with glutamic acid.
Molecular consequence: missense variant.
Genome position (GRCh38, 1-based): chr13:32,355,003, C>G. VCF-style: chr13-32355003-C-G. GRCh37 (hg19) VCF-style: chr13-32929140-C-G.
Other names: short protein forms Q2384E.
Identifiers: ClinVar variation 571292 (VCV000571292.20), dbSNP rs55977008, ClinGen allele CA387739165.